The following is an entry in ClinVar:

NM_007078.3(LDB3):c.564C>T (p.Gly188=)

Gene: LDB3 (LIM domain binding 3; plus strand). Cytogenetic location: 10q23.2.
Variant type: single nucleotide variant.
Coding change: c.564C>T on transcript NM_007078.3 (MANE Select); coding-DNA position 564, C replaced by T.
Protein change: p.Gly188=; no amino-acid change (glycine 188 retained).
Molecular consequence: synonymous variant. On other transcripts: intron variant (5).
Genome position (GRCh38, 1-based): chr10:86,681,678, C>T. VCF-style: chr10-86681678-C-T. GRCh37 (hg19) VCF-style: chr10-88441435-C-T.
Other names: c.564C>T, p.Gly188= (NM_001080115.2, NM_001171610.2, NM_001171611.2 and 3 more transcripts); c.321+1521C>T (NM_001368068.1, NM_001368066.1, NM_001080114.2 and 2 more transcripts).
Identifiers: ClinVar variation 1581313 (VCV001581313.14), dbSNP rs753281302, ClinGen allele CA5584740.

ClinVar aggregate classification (germline): Likely benign. Review status: criteria provided, multiple submitters, no conflicts (2 of 4 stars). 5 submissions from 5 submitters: Likely benign (5). Last evaluated 2026-06-01.

Conditions:
Cardiovascular phenotype. Identifiers: MedGen CN230736.
Myofibrillar myopathy 4. Also called: Zaspopathy (type). Identifiers: Orphanet 98912, MedGen C4721886, MONDO:0012277, OMIM 609452.

Allele frequency attached by ClinVar (database versions not stated): ExAC 0.00001; gnomAD exomes 0.00001 and 0.00002; TOPMed 0.00003; gnomAD 0.00004.
gnomAD v4.1: 25 of 1,613,308 alleles (0.0015%); highest among the groups gnomAD compares: Non-Finnish European, 0.0019%; no homozygotes.

Submissions (5):

CeGaT Center for Human Genetics Tuebingen
Classification: Likely benign. Last evaluated: 2026-06-01. Review status: criteria provided, single submitter. Criteria: CeGaT Center For Human Genetics Tuebingen Variant Classification Criteria Version 2. Collection method: clinical testing. Allele origin: germline. Affected: yes. Observed: 1 variant allele.
Comment: LDB3: BP4, BP7

Labcorp Genetics (formerly Invitae), Labcorp
Classification: Likely benign for Myofibrillar myopathy 4. Last evaluated: 2025-08-03. Review status: criteria provided, single submitter. Criteria: Invitae Variant Classification Sherloc (09022015). Collection method: clinical testing. Allele origin: germline.

Blueprint Genetics
Classification: Likely benign. Last evaluated: 2024-10-30. Review status: criteria provided, single submitter. Criteria: ACMG Guidelines, 2015. Collection method: clinical testing. Allele origin: germline.

Women's Health and Genetics/Laboratory Corporation of America, LabCorp
Classification: Likely benign. Last evaluated: 2024-02-05. Review status: criteria provided, single submitter. Criteria: LabCorp Variant Classification Summary - May 2015. Collection method: clinical testing. Allele origin: germline.

Ambry Genetics
Classification: Likely benign for Cardiovascular phenotype. Last evaluated: 2020-06-02. Review status: criteria provided, single submitter. Criteria: Ambry Variant Classification Scheme 2023. Collection method: clinical testing. Allele origin: germline.